The following is an entry in ClinVar:

NM_001754.5(RUNX1):c.170C>G (p.Pro57Arg)

Gene: RUNX1 (RUNX family transcription factor 1; minus strand). Cytogenetic location: 21q22.12.
Variant type: single nucleotide variant.
Coding change: c.170C>G on transcript NM_001754.5 (MANE Select); coding-DNA position 170, C replaced by G.
Protein change: p.Pro57Arg; replaces proline 57 with arginine.
Molecular consequence: missense variant.
Genome position (GRCh38, 1-based): chr21:34,887,024, G>C on the plus strand (C>G on the coding strand, the complement: RUNX1 is on the minus strand). VCF-style: chr21-34887024-G-C. GRCh37 (hg19) VCF-style: chr21-36259321-G-C.
Other names: NM_001754.5(RUNX1):c.170C>G; p.Pro57Arg; c.89C>G, p.Pro30Arg (NM_001001890.3, NM_001122607.2); short protein forms P30R, P57R.
Identifiers: ClinVar variation 639088 (VCV000639088.10), dbSNP rs1266842690, ClinGen allele CA410204028.

ClinVar aggregate classification (germline): Uncertain significance. Review status: reviewed by expert panel (3 of 4 stars). 3 submissions from 3 submitters: Uncertain significance (1). 2 of the submissions do not count toward it. Last evaluated 2024-10-29.

Conditions:
Hereditary thrombocytopenia and hematological cancer predisposition syndrome associated with RUNX1. Also called: Familial Platelet Disorder with Propensity to Acute Myelogenous Leukemia; Familial thrombocytopenia with propensity to acute myelogenous leukemia; RUNX1 Familial Platelet Disorder with Associated Myeloid Malignancies; PLATELET DISORDER, ASPIRIN-LIKE. Identifiers: Orphanet 71290, MedGen C1832388, MeSH C563324, MONDO:0100083, OMIM 601399.
Inborn genetic diseases. Identifiers: MedGen C0950123, MeSH D030342.
Hereditary thrombocytopenia and hematologic cancer predisposition syndrome. Identifiers: Orphanet 71290, MedGen CN281654, MONDO:0011071.

gnomAD v4.1: 4 of 1,601,760 alleles (0.00025%); highest among the groups gnomAD compares: Non-Finnish European, 0.00034%; no homozygotes.

Submissions (3):

ClinGen Myeloid Malignancy Variant Curation Expert Panel
Classification: Uncertain significance for Hereditary thrombocytopenia and hematologic cancer predisposition syndrome. Last evaluated: 2024-10-29. Review status: reviewed by expert panel. Criteria: ClinGen MyeloMalig ACMG Specifications v2. Collection method: curation. Allele origin: germline. Inheritance: Autosomal dominant inheritance.
Comment: NM_001754.5(RUNX1):c.170C>G (p.Pro57Arg) is a missense variant which does not meet any ACMG/AMP criteria. In summary, the clinical significance of this variant is uncertain. ACMG/AMP criteria applied, as specified by the Myeloid Malignancy Variant Curation Expert Panel for RUNX1: None.

Ambry Genetics
Classification: Uncertain significance for Inborn genetic diseases. Last evaluated: 2025-02-01. Review status: criteria provided, single submitter. Criteria: Ambry Variant Classification Scheme 2023. Collection method: clinical testing. Allele origin: germline. Not counted in ClinVar's aggregate classification.
Comment: The p.P57R variant (also known as c.170C>G), located in coding exon 3 of the RUNX1 gene, results from a C to G substitution at nucleotide position 170. The proline at codon 57 is replaced by arginine, an amino acid with dissimilar properties. This amino acid position is conserved. In addition, the in silico prediction for this alteration is inconclusive. Based on the available evidence, the clinical significance of this variant remains unclear.

Labcorp Genetics (formerly Invitae), Labcorp
Classification: Benign for Hereditary thrombocytopenia and hematological cancer predisposition syndrome associated with RUNX1. Last evaluated: 2023-07-07. Review status: criteria provided, single submitter. Criteria: Invitae Variant Classification Sherloc (09022015). Collection method: clinical testing. Allele origin: germline. Not counted in ClinVar's aggregate classification.